The following is an entry in ClinVar:

NM_002528.7(NTHL1):c.698A>G (p.His233Arg)

Gene: NTHL1 (nth like DNA glycosylase 1; minus strand). Cytogenetic location: 16p13.3.
Variant type: single nucleotide variant.
Coding change: c.698A>G on transcript NM_002528.7 (MANE Select); coding-DNA position 698, A replaced by G.
Protein change: p.His233Arg; replaces histidine 233 with arginine.
Molecular consequence: missense variant.
Genome position (GRCh38, 1-based): chr16:2,040,226, T>C on the plus strand (A>G on the coding strand, the complement: NTHL1 is on the minus strand). VCF-style: chr16-2040226-T-C. GRCh37 (hg19) VCF-style: chr16-2090227-T-C.
Other names: c.527A>G, p.His176Arg (NM_001318193.2); c.368A>G, p.His123Arg (NM_001318194.2); short protein forms H123R, H176R, H233R.
Identifiers: ClinVar variation 851778 (VCV000851778.12), dbSNP rs1469572797, ClinGen allele CA394289317.

ClinVar aggregate classification (germline): Uncertain significance. Review status: criteria provided, multiple submitters, no conflicts (2 of 4 stars). 2 submissions from 2 submitters: Uncertain significance (2). Last evaluated 2025-08-29.

Conditions:
Hereditary cancer-predisposing syndrome. Also called: Tumor predisposition; Neoplastic Syndromes, Hereditary; Hereditary neoplastic syndrome; Hereditary Cancer Syndrome. Identifiers: Orphanet 140162, MedGen C0027672, MeSH D009386, MONDO:0015356.

Allele frequency attached by ClinVar (database versions not stated): gnomAD exomes below 0.00001; TOPMed 0.00001.
gnomAD v4.1: 1 of 1,613,606 alleles (0.000062%); highest among the groups gnomAD compares: Non-Finnish European, 0.000085%; no homozygotes.

Submissions (2):

Labcorp Genetics (formerly Invitae), Labcorp
Classification: Uncertain significance. Last evaluated: 2025-08-29. Review status: criteria provided, single submitter. Criteria: Invitae Variant Classification Sherloc (09022015). Collection method: clinical testing. Allele origin: germline.
Comment: This sequence change replaces histidine, which is basic and polar, with arginine, which is basic and polar, at codon 241 of the NTHL1 protein (p.His241Arg). This variant is not present in population databases (gnomAD no frequency). This variant has not been reported in the literature in individuals affected with NTHL1-related conditions. ClinVar contains an entry for this variant (Variation ID: 851778). An algorithm developed to predict the effect of missense changes on protein structure and function (PolyPhen-2) suggests that this variant is likely to be disruptive. In summary, the available evidence is currently insufficient to determine the role of this variant in disease. Therefore, it has been classified as a Variant of Uncertain Significance.

Ambry Genetics
Classification: Uncertain significance for Hereditary cancer-predisposing syndrome. Last evaluated: 2022-03-30. Review status: criteria provided, single submitter. Criteria: Ambry Variant Classification Scheme 2023. Collection method: clinical testing. Allele origin: germline.
Comment: The p.H241R variant (also known as c.722A>G), located in coding exon 5 of the NTHL1 gene, results from an A to G substitution at nucleotide position 722. The histidine at codon 241 is replaced by arginine, an amino acid with highly similar properties. This amino acid position is conserved. In addition, this alteration is predicted to be deleterious by in silico analysis. Since supporting evidence is limited at this time, the clinical significance of this alteration remains unclear.